The following is an entry in ClinVar:

NM_000238.4(KCNH2):c.1777A>C (p.Ile593Leu)

Gene: KCNH2 (potassium voltage-gated channel subfamily H member 2; minus strand). Cytogenetic location: 7q36.1.
Variant type: single nucleotide variant.
Coding change: c.1777A>C on transcript NM_000238.4 (MANE Select); coding-DNA position 1777, A replaced by C.
Protein change: p.Ile593Leu; replaces isoleucine 593 with leucine.
Molecular consequence: missense variant. On other transcripts: non-coding transcript variant (2).
Genome position (GRCh38, 1-based): chr7:150,951,616, T>G on the plus strand (A>C on the coding strand, the complement: KCNH2 is on the minus strand). VCF-style: chr7-150951616-T-G. GRCh37 (hg19) VCF-style: chr7-150648704-T-G.
Other names: c.1477A>C, p.Ile493Leu (NM_001406757.1); c.1777A>C, p.Ile593Leu (NM_172056.3); c.757A>C, p.Ile253Leu (NM_172057.3, NM_001204798.2); c.1489A>C, p.Ile497Leu (NM_001406753.1, NM_001406756.1); c.1600A>C, p.Ile534Leu (NM_001406755.1); short protein forms I493L, I497L, I534L, I593L, I253L.
Identifiers: ClinVar variation 3654837 (VCV003654837.2).

ClinVar aggregate classification (germline): Uncertain significance (1 of 4 stars; one submission).

Conditions:
Long QT syndrome (LQTS). Identifiers: MedGen C0023976, MeSH D008133, MONDO:0002442. Disease mechanism: loss of function. Inheritance: Various modes of inheritance.

Submission:

Labcorp Genetics (formerly Invitae), Labcorp
Classification: Uncertain significance for Long QT syndrome. Last evaluated: 2024-05-28. Review status: criteria provided, single submitter. Criteria: Invitae Variant Classification Sherloc (09022015). Collection method: clinical testing. Allele origin: germline.
Comment: This sequence change replaces isoleucine, which is neutral and non-polar, with leucine, which is neutral and non-polar, at codon 593 of the KCNH2 protein (p.Ile593Leu). This variant is not present in population databases (gnomAD no frequency). This variant has not been reported in the literature in individuals affected with KCNH2-related conditions. An algorithm developed to predict the effect of missense changes on protein structure and function (PolyPhen-2) suggests that this variant is likely to be tolerated. This variant disrupts the p.Ile593 amino acid residue in KCNH2. Other variant(s) that disrupt this residue have been determined to be pathogenic (PMID: 21956039, 25417810; Invitae). This suggests that this residue is clinically significant, and that variants that disrupt this residue are likely to be disease-causing. In summary, the available evidence is currently insufficient to determine the role of this variant in disease. Therefore, it has been classified as a Variant of Uncertain Significance.

Literature cited by the submitters: PubMed 21956039; PubMed 25417810.